The following is an entry in ClinVar:

NM_080680.3(COL11A2):c.1359A>G (p.Pro453=)

Gene: COL11A2 (collagen type XI alpha 2 chain; minus strand). Cytogenetic location: 6p21.32.
Variant type: single nucleotide variant.
Coding change: c.1359A>G on transcript NM_080680.3 (MANE Select); coding-DNA position 1359, A replaced by G.
Protein change: p.Pro453=; no amino-acid change (proline 453 retained).
Molecular consequence: synonymous variant.
Genome position (GRCh38, 1-based): chr6:33,180,258, T>C on the plus strand (A>G on the coding strand, the complement: COL11A2 is on the minus strand). VCF-style: chr6-33180258-T-C. GRCh37 (hg19) VCF-style: chr6-33148035-T-C.
Other names: c.1038A>G, p.Pro346= (NM_080679.3); c.1101A>G, p.Pro367= (NM_080681.3).
Identifiers: ClinVar variation 1465173 (VCV001465173.6), dbSNP rs2150584115, ClinGen allele CA449839143.
Genomic context (GRCh38, chr6:33,180,258, plus strand): 5'-ACATGACACAATTCCTTGTCTTCCCCATCAGCATGTTCCAAAACCCAAGAGACAACTCAC[T>C]GGGAGCATGAGAGATGTGCCAGGAGGACCAGGAGCCCCATCTGATCCAGGGAGCCCTGCT-3'
Protein context (NP_542411.2, residues 443-463): PGPPGTSLML[Pro453=]FRFGSGGGDK

ClinVar aggregate classification (germline): Uncertain significance (1 of 4 stars; one submission).

Submission:

Labcorp Genetics (formerly Invitae), Labcorp
Classification: Uncertain significance. Last evaluated: 2022-07-11. Review status: criteria provided, single submitter. Criteria: Invitae Variant Classification Sherloc (09022015). Collection method: clinical testing. Allele origin: germline.
Comment: This variant is not present in population databases (gnomAD no frequency). This sequence change affects codon 453 of the COL11A2 mRNA. It is a 'silent' change, meaning that it does not change the encoded amino acid sequence of the COL11A2 protein. It affects a nucleotide within the consensus splice site. This variant has not been reported in the literature in individuals affected with COL11A2-related conditions. ClinVar contains an entry for this variant (Variation ID: 1465173). Algorithms developed to predict the effect of sequence changes on RNA splicing suggest that this variant is not likely to affect RNA splicing. In summary, the available evidence is currently insufficient to determine the role of this variant in disease. Therefore, it has been classified as a Variant of Uncertain Significance.